The following is an entry in ClinVar:

NM_006516.4(SLC2A1):c.979G>T (p.Val327Leu)

Gene: SLC2A1 (solute carrier family 2 member 1; minus strand). Cytogenetic location: 1p34.2.
Variant type: single nucleotide variant.
Coding change: c.979G>T on transcript NM_006516.4 (MANE Select); coding-DNA position 979, G replaced by T.
Protein change: p.Val327Leu; replaces valine 327 with leucine.
Molecular consequence: missense variant.
Genome position (GRCh38, 1-based): chr1:42,929,027, C>A on the plus strand (G>T on the coding strand, the complement: SLC2A1 is on the minus strand). VCF-style: chr1-42929027-C-A. GRCh37 (hg19) VCF-style: chr1-43394698-C-A.
Other names: short protein forms V327L.
Identifiers: ClinVar variation 3906593 (VCV003906593.1).
Genomic context (GRCh38, chr1:42,929,027, plus strand): 5'-AACCCGCCATGCCAGCGAGGCCTATGAGGTGCAGGGTCCGCCGGCCTGCTCGCTCCACCA[C>A]AAACAGCTGTGGGCAGAGACAGTGTCAGTGCCACCCCTGCCTAGTGCCCTTCTGAACCCA-3'
Protein context (NP_006507.2, residues 317-337): NTAFTVVSLF[Val327Leu]VERAGRRTLH

ClinVar aggregate classification (germline): Uncertain significance (1 of 4 stars; one submission).

Submission:

GeneDx
Classification: Uncertain significance. Last evaluated: 2024-12-23. Review status: criteria provided, single submitter. Criteria: GeneDx Variant Classification Process June 2021. Collection method: clinical testing. Allele origin: germline. Affected: yes.
Comment: Not observed at significant frequency in large population cohorts (gnomAD); In silico analysis indicates that this missense variant does not alter protein structure/function; Has not been previously published as pathogenic or benign to our knowledge